The following is an entry in ClinVar:

NM_033380.3(COL4A5):c.1086GTTGCCTGG[1] (p.363LPG[1])

Gene: COL4A5 (collagen type IV alpha 5 chain; plus strand). Cytogenetic location: Xq22.3.
Variant type: Microsatellite.
Coding change: c.1086GTTGCCTGG[1] on transcript NM_033380.3 (MANE Select); one copy of the 9-base unit GTTGCCTGG starting at c.1086; the reference has two copies in a row; one copy, 9 bases deleted.
Protein change: p.363LPG[1].
Molecular consequence: inframe deletion.
Genome position (GRCh38, 1-based): chrX:108,586,677-108,586,685, GTTGCCTGG deleted; deleting any 9 consecutive bases within chrX:108,586,665-108,586,685 gives the same sequence; the position shown is the placement nearest the transcript's 3' end. VCF-style (leftmost placement, unchanged base first): chrX-108586664-TTGGGTTGCC-T. GRCh37 (hg19) VCF-style: chrX-107829894-TTGGGTTGCC-T.
Other names: c.1095_1103del (NM_000495.5); c.1086GTTGCCTGG[1], p.363LPG[1] (NM_000495.5); c.1095_1103del9 (NM_000495.4).
Identifiers: ClinVar variation 759403 (VCV000759403.13), dbSNP rs765552839, ClinGen allele CA10488676.

ClinVar aggregate classification (germline): Benign/Likely benign. Review status: criteria provided, multiple submitters, no conflicts (2 of 4 stars). 3 submissions from 3 submitters: Benign (1); Likely benign (1). 1 of the submissions does not count toward it. Last evaluated 2026-01-12.

Conditions:
COL4A5-related disorder. Also called: COL4A5-related condition.
X-linked Alport syndrome (ATS1). Also called: NEPHROPATHY AND DEAFNESS, X-LINKED; COL4A5-Related Nephropathy. Identifiers: Orphanet 63, Orphanet 88917, MedGen C4746986, MONDO:0010520, OMIM 301050.

Submissions (3):

Labcorp Genetics (formerly Invitae), Labcorp
Classification: Benign. Last evaluated: 2026-01-12. Review status: criteria provided, single submitter. Criteria: Invitae Variant Classification Sherloc (09022015). Collection method: clinical testing. Allele origin: germline.

Fulgent Genetics
Classification: Likely benign for X-linked Alport syndrome. Last evaluated: 2024-06-04. Review status: criteria provided, single submitter. Criteria: ACMG Guidelines, 2015. Collection method: clinical testing. Allele origin: germline.

PreventionGenetics, part of Exact Sciences
Classification: Likely benign for COL4A5-related condition. Last evaluated: 2021-04-12. Review status: no assertion criteria provided. Collection method: clinical testing. Allele origin: germline. Not counted in ClinVar's aggregate classification.
Comment: This variant is classified as likely benign based on ACMG/AMP sequence variant interpretation guidelines (Richards et al. 2015 PMID: 25741868, with internal and published modifications).